The following is an entry in ClinVar:

NM_000057.4(BLM):c.1100G>T (p.Ser367Ile)

Gene: BLM (BLM RecQ like helicase; plus strand). Cytogenetic location: 15q26.1.
Variant type: single nucleotide variant.
Coding change: c.1100G>T on transcript NM_000057.4 (MANE Select); coding-DNA position 1100, G replaced by T.
Protein change: p.Ser367Ile; replaces serine 367 with isoleucine.
Molecular consequence: missense variant. On other transcripts: 5 prime UTR variant (1).
Genome position (GRCh38, 1-based): chr15:90,760,159, G>T. VCF-style: chr15-90760159-G-T. GRCh37 (hg19) VCF-style: chr15-91303389-G-T.
Other names: c.1100G>T, p.Ser367Ile (NM_001287246.2, NM_001287247.2); c.-26G>T (NM_001287248.2); short protein forms S367I.
Identifiers: ClinVar variation 2566856 (VCV002566856.2), dbSNP rs772176483, ClinGen allele CA393842307.

ClinVar aggregate classification (germline): Uncertain significance (1 of 4 stars; one submission).

Conditions:
Hereditary cancer-predisposing syndrome. Also called: Hereditary neoplastic syndrome; Hereditary Cancer Syndrome; Neoplastic Syndromes, Hereditary; Tumor predisposition. Identifiers: Orphanet 140162, MedGen C0027672, MeSH D009386, MONDO:0015356.

Submission:

Ambry Genetics
Classification: Uncertain significance for Hereditary cancer-predisposing syndrome. Last evaluated: 2023-06-12. Review status: criteria provided, single submitter. Criteria: Ambry Variant Classification Scheme 2023. Collection method: clinical testing. Allele origin: germline.
Comment: The p.S367I variant (also known as c.1100G>T), located in coding exon 5 of the BLM gene, results from a G to T substitution at nucleotide position 1100. The serine at codon 367 is replaced by isoleucine, an amino acid with dissimilar properties. This amino acid position is conserved. In addition, this alteration is predicted to be tolerated by in silico analysis. Since supporting evidence is limited at this time, the clinical significance of this alteration remains unclear.